The following is an entry in ClinVar:

NM_001256864.2(DNAJC6):c.1320A>T (p.Thr440=)

Gene: DNAJC6 (DnaJ heat shock protein family (Hsp40) member C6; plus strand). Cytogenetic location: 1p31.3.
Variant type: single nucleotide variant.
Coding change: c.1320A>T on transcript NM_001256864.2 (MANE Select); coding-DNA position 1320, A replaced by T.
Protein change: p.Thr440=; no amino-acid change (threonine 440 retained).
Molecular consequence: synonymous variant.
Genome position (GRCh38, 1-based): chr1:65,389,382, A>T. VCF-style: chr1-65389382-A-T. GRCh37 (hg19) VCF-style: chr1-65855065-A-T.
Other names: c.1110A>T, p.Thr370= (NM_001256865.2); c.1149A>T, p.Thr383= (NM_014787.4).
Identifiers: ClinVar variation 702187 (VCV000702187.38), dbSNP rs142136708, ClinGen allele CA893892.

ClinVar aggregate classification (germline): Benign/Likely benign. Review status: criteria provided, multiple submitters, no conflicts (2 of 4 stars). 6 submissions from 6 submitters: Benign (2); Likely benign (4). Last evaluated 2026-01-26.

Conditions:
Juvenile onset Parkinson disease 19A. Also called: DNAJC6 Parkinson Disease; PARK19. Identifiers: Orphanet 391411, MedGen C3809811, MONDO:0014231, OMIM 615528.

Allele frequency attached by ClinVar (database versions not stated): gnomAD exomes 0.00104; ExAC 0.00124; 1000 Genomes Project 0.00319; 1000 Genomes Project 30x 0.00344; gnomAD 0.00426 and 0.00462; TOPMed 0.00441; ESP Exome Variant Server 0.00523.
gnomAD v4.1: 1,423 of 1,614,198 alleles (0.088%); highest among the groups gnomAD compares: African/African-American, 1.5%; 9 homozygotes.

Submissions (6):

Labcorp Genetics (formerly Invitae), Labcorp
Classification: Benign for Juvenile onset Parkinson disease 19A. Last evaluated: 2026-01-26. Review status: criteria provided, single submitter. Criteria: Invitae Variant Classification Sherloc (09022015). Collection method: clinical testing. Allele origin: germline.

Blueprint Genetics
Classification: Likely benign. Last evaluated: 2024-11-13. Review status: criteria provided, single submitter. Criteria: ACMG Guidelines, 2015. Collection method: clinical testing. Allele origin: germline.

CeGaT Center for Human Genetics Tuebingen
Classification: Likely benign. Last evaluated: 2024-09-01. Review status: criteria provided, single submitter. Criteria: CeGaT Center For Human Genetics Tuebingen Variant Classification Criteria Version 2. Collection method: clinical testing. Allele origin: germline. Affected: yes. Observed: 2 variant alleles.
Comment: DNAJC6: BP4, BP7, BS1

Genome-Nilou Lab
Classification: Benign for Juvenile onset Parkinson disease 19A. Last evaluated: 2023-04-11. Review status: criteria provided, single submitter. Criteria: ACMG Guidelines, 2015. Collection method: clinical testing. Allele origin: germline. Affected: no.

GeneDx
Classification: Likely benign. Last evaluated: 2021-06-11. Review status: criteria provided, single submitter. Criteria: GeneDx Variant Classification Process June 2021. Collection method: clinical testing. Allele origin: germline. Affected: yes.

Breakthrough Genomics
Classification: Likely benign. Review status: criteria provided, single submitter. Criteria: ACMG Guidelines, 2015. Collection method: not provided. Allele origin: germline. Inheritance: Autosomal recessive inheritance. Affected: yes.